The following is an entry in ClinVar:

NM_006204.4(PDE6C):c.2099C>G (p.Ala700Gly)

Gene: PDE6C (phosphodiesterase 6C; plus strand). Cytogenetic location: 10q23.33.
Variant type: single nucleotide variant.
Coding change: c.2099C>G on transcript NM_006204.4 (MANE Select); coding-DNA position 2099, C replaced by G.
Protein change: p.Ala700Gly; replaces alanine 700 with glycine.
Molecular consequence: missense variant.
Genome position (GRCh38, 1-based): chr10:93,658,963, C>G. VCF-style: chr10-93658963-C-G. GRCh37 (hg19) VCF-style: chr10-95418720-C-G.
Other names: short protein forms A700G.
Identifiers: ClinVar variation 1501301 (VCV001501301.8), dbSNP rs2133877250, ClinGen allele CA377624807.

ClinVar aggregate classification (germline): Uncertain significance (1 of 4 stars; one submission).

Submission:

Labcorp Genetics (formerly Invitae), Labcorp
Classification: Uncertain significance. Last evaluated: 2023-11-13. Review status: criteria provided, single submitter. Criteria: Invitae Variant Classification Sherloc (09022015). Collection method: clinical testing. Allele origin: germline.
Comment: This sequence change replaces alanine, which is neutral and non-polar, with glycine, which is neutral and non-polar, at codon 700 of the PDE6C protein (p.Ala700Gly). This variant is not present in population databases (gnomAD no frequency). This variant has not been reported in the literature in individuals affected with PDE6C-related conditions. ClinVar contains an entry for this variant (Variation ID: 1501301). An algorithm developed to predict the effect of missense changes on protein structure and function (PolyPhen-2) suggests that this variant is likely to be tolerated. In summary, the available evidence is currently insufficient to determine the role of this variant in disease. Therefore, it has been classified as a Variant of Uncertain Significance.